The following is an entry in ClinVar:

ClinVar aggregate classification (germline): Conflicting classifications of pathogenicity. Review status: criteria provided, conflicting classifications (1 of 4 stars). 2 submissions from 2 submitters: Uncertain significance (1); Likely benign (1). Last evaluated 2024-12-24.

Conditions:
Cataract 23 (CTRCT23). Also called: CATARACT 23, LAMELLAR; Cataract 23, multiple types. Identifiers: Orphanet 91492, MedGen C3808012, MONDO:0012489, OMIM 610425.
Inborn genetic diseases. Identifiers: MedGen C0950123, MeSH D030342.

Allele frequency attached by ClinVar (database versions not stated): TOPMed 0.00001; ExAC 0.00002; gnomAD 0.00002.
gnomAD v4.1: 6 of 1,613,802 alleles (0.00037%); highest among the groups gnomAD compares: Admixed American, 0.0083%; no homozygotes.

Submissions (2):

Ambry Genetics
Classification: Likely benign for Inborn genetic diseases. Last evaluated: 2024-12-24. Review status: criteria provided, single submitter. Criteria: Ambry Variant Classification Scheme 2023. Collection method: clinical testing. Allele origin: germline.

Labcorp Genetics (formerly Invitae), Labcorp
Classification: Uncertain significance for Cataract 23. Last evaluated: 2019-01-19. Review status: criteria provided, single submitter. Criteria: Invitae Variant Classification Sherloc (09022015). Collection method: clinical testing. Allele origin: germline.
Comment: In summary, the available evidence is currently insufficient to determine the role of this variant in disease. Therefore, it has been classified as a Variant of Uncertain Significance. Algorithms developed to predict the effect of missense changes on protein structure and function output the following: SIFT: "Tolerated"; PolyPhen-2: "Benign"; Align-GVGD: "Class C0". The serine amino acid residue is found in multiple mammalian species, suggesting that this missense change does not adversely affect protein function. These predictions have not been confirmed by published functional studies and their clinical significance is uncertain. This variant has not been reported in the literature in individuals with CRYBA4-related conditions. This variant is present in population databases (rs372922337, ExAC 0.009%). This sequence change replaces alanine with serine at codon 88 of the CRYBA4 protein (p.Ala88Ser). The alanine residue is moderately conserved and there is a moderate physicochemical difference between alanine and serine.

NM_001886.3(CRYBA4):c.262G>T (p.Ala88Ser)

Gene: CRYBA4 (crystallin beta A4; plus strand). Cytogenetic location: 22q12.1.
Variant type: single nucleotide variant.
Coding change: c.262G>T on transcript NM_001886.3 (MANE Select); coding-DNA position 262, G replaced by T.
Protein change: p.Ala88Ser; replaces alanine 88 with serine.
Molecular consequence: missense variant.
Genome position (GRCh38, 1-based): chr22:26,625,584, G>T. VCF-style: chr22-26625584-G-T. GRCh37 (hg19) VCF-style: chr22-27021548-G-T.
Other names: short protein forms A88S.
Identifiers: ClinVar variation 856281 (VCV000856281.11), dbSNP rs372922337, ClinGen allele CA10165750.